The following is an entry in ClinVar:

ClinVar aggregate classification (germline): Pathogenic (1 of 4 stars; one submission).

Submission:

Labcorp Genetics (formerly Invitae), Labcorp
Classification: Pathogenic. Last evaluated: 2022-05-19. Review status: criteria provided, single submitter. Criteria: Invitae Variant Classification Sherloc (09022015). Collection method: clinical testing. Allele origin: germline.
Comment: This sequence change creates a premature translational stop signal (p.Arg7Asnfs*46) in the DNAH9 gene. It is expected to result in an absent or disrupted protein product. Loss-of-function variants in DNAH9 are known to be pathogenic (PMID: 30471718). This variant is not present in population databases (gnomAD no frequency). For these reasons, this variant has been classified as Pathogenic. This variant has not been reported in the literature in individuals affected with DNAH9-related conditions.

Literature cited by the submitters: PubMed 30471718.

NM_001372.4(DNAH9):c.19_41delinsAACGCGGATGGGGAACCCGGCGCCGAC (p.Arg7fs)

Gene: DNAH9 (dynein axonemal heavy chain 9; plus strand). Cytogenetic location: 17p12.
Variant type: Indel.
Coding change: c.19_41delinsAACGCGGATGGGGAACCCGGCGCCGAC on transcript NM_001372.4 (MANE Select); coding-DNA positions 19 to 41, CGGGCCGCGCTCGCGGCGGAGAA replaced by AACGCGGATGGGGAACCCGGCGCCGAC.
Protein change: p.Arg7fs; shifts the reading frame from arginine 7.
Molecular consequence: frameshift variant.
Genome position (GRCh38, 1-based): chr17:11,598,517-11,598,539, CGGGCCGCGCTCGCGGCGGAGAA replaced by AACGCGGATGGGGAACCCGGCGCCGAC. GRCh37 (hg19): chr17:11,501,834-11,501,856.
Other names: short protein forms R7fs.
Identifiers: ClinVar variation 1992905 (VCV001992905.4), dbSNP rs2544174512, ClinGen allele CA2580092601.